The following is an entry in ClinVar:

NM_018341.3(ERMARD):c.421T>C (p.Phe141Leu)

Gene: ERMARD (ER membrane associated RNA degradation; plus strand). Cytogenetic location: 6q27.
Variant type: single nucleotide variant.
Coding change: c.421T>C on transcript NM_018341.3 (MANE Select); coding-DNA position 421, T replaced by C.
Protein change: p.Phe141Leu; replaces phenylalanine 141 with leucine.
Molecular consequence: missense variant.
Genome position (GRCh38, 1-based): chr6:169,756,722, T>C. VCF-style: chr6-169756722-T-C. GRCh37 (hg19) VCF-style: chr6-170156818-T-C.
Other names: c.421T>C, p.Phe141Leu (NM_001278531.2, NM_001278533.2); c.43T>C, p.Phe15Leu (NM_001278532.2, NM_001410957.1); short protein forms F15L, F141L.
Identifiers: ClinVar variation 5002793 (VCV005002793.1).

ClinVar aggregate classification (germline): Uncertain significance (1 of 4 stars; one submission).

Submission:

OLLIN Analises Genomicas, OLLIN
Classification: Uncertain significance. Last evaluated: 2026-08-06. Review status: criteria provided, single submitter. Criteria: ACMG Guidelines 2015 PMID 25741868. Collection method: clinical testing. Allele origin: germline.
Comment: This missense variant, located in exon 5 (of 18), is absent from gnomAD and ClinVar and has not been identified in the literature. In silico analysis predicts that this variant has a tolerated effect. According to the currently available evidence, this variant has been classified as uncertain significance (PM2_P, BP4).